The following is an entry in ClinVar:

ClinVar aggregate classification (germline): Likely benign. Review status: criteria provided, multiple submitters, no conflicts (2 of 4 stars). 2 submissions from 2 submitters: Likely benign (2). Last evaluated 2026-08-07.

Conditions:
ARHGEF10-related disorder. Also called: ARHGEF10-related condition.

Allele frequency attached by ClinVar (database versions not stated): TOPMed 0.00003.
gnomAD v4.1: 107 of 1,612,608 alleles (0.0066%); highest among the groups gnomAD compares: Non-Finnish European, 0.0088%; 1 homozygote.

Submissions (2):

PreventionGenetics, part of Exact Sciences
Classification: Likely benign for ARHGEF10-related condition. Last evaluated: 2026-08-07. Review status: criteria provided, single submitter. Criteria: ACMG Guidelines, 2015. Collection method: clinical testing. Allele origin: germline.
Comment: This variant is classified as likely benign based on ACMG/AMP sequence variant interpretation guidelines (Richards et al. 2015 PMID: 25741868, with internal and published modifications).

Labcorp Genetics (formerly Invitae), Labcorp
Classification: Likely benign. Last evaluated: 2026-01-14. Review status: criteria provided, single submitter. Criteria: Invitae Variant Classification Sherloc (09022015). Collection method: clinical testing. Allele origin: germline.

NM_014629.4(ARHGEF10):c.3406C>A (p.Arg1136=)

Gene: ARHGEF10 (Rho guanine nucleotide exchange factor 10; plus strand). Cytogenetic location: 8p23.3.
Variant type: single nucleotide variant.
Coding change: c.3406C>A on transcript NM_014629.4 (MANE Select); coding-DNA position 3406, C replaced by A.
Protein change: p.Arg1136=; no amino-acid change (arginine 1136 retained).
Molecular consequence: synonymous variant.
Genome position (GRCh38, 1-based): chr8:1,952,713, C>A. VCF-style: chr8-1952713-C-A. GRCh37 (hg19) VCF-style: chr8-1900879-C-A.
Other names: c.3406C>A (NM_014629.3); c.3292C>A, p.Arg1098= (NM_001308152.2); c.3406C>A, p.Arg1136= (NM_001308153.3).
Identifiers: ClinVar variation 2916232 (VCV002916232.4), dbSNP rs779682833, ClinGen allele CA4601364.